The following is an entry in ClinVar:

NM_024312.5(GNPTAB):c.3529C>T (p.Pro1177Ser)

Gene: GNPTAB (N-acetylglucosamine-1-phosphate transferase subunits alpha and beta; minus strand). Cytogenetic location: 12q23.2.
Variant type: single nucleotide variant.
Coding change: c.3529C>T on transcript NM_024312.5 (MANE Select); coding-DNA position 3529, C replaced by T.
Protein change: p.Pro1177Ser; replaces proline 1177 with serine.
Molecular consequence: missense variant.
Genome position (GRCh38, 1-based): chr12:101,753,445, G>A on the plus strand (C>T on the coding strand, the complement: GNPTAB is on the minus strand). VCF-style: chr12-101753445-G-A. GRCh37 (hg19) VCF-style: chr12-102147223-G-A.
Other names: short protein forms P1177S.
Identifiers: ClinVar variation 1440010 (VCV001440010.3), dbSNP rs1040259737, ClinGen allele CA386292406.

ClinVar aggregate classification (germline): Uncertain significance (1 of 4 stars; one submission).

Conditions:
Pseudo-Hurler polydystrophy. Also called: ML III; ML III ALPHA/BETA; MUCOLIPIDOSIS IIIA; Type III Mucolipidosis; ML IIIA; Mucolipidosis III Alpha/Beta. Identifiers: Orphanet 423461, Orphanet 577, MedGen C0033788, MONDO:0018931, OMIM 252600.
Mucolipidosis type II. Also called: ML II ALPHA/BETA; Mucolipidosis 2; ML 2; Inclusion cell disease; Leroy Disease; N-acetylglucosamine 1phosphotransferase deficiency. Identifiers: Orphanet 576, MedGen C2673377, MONDO:0009650, OMIM 252500.

Allele frequency attached by ClinVar (database versions not stated): gnomAD exomes 0.00001 and below 0.00001; gnomAD 0.00001.
gnomAD v4.1: 14 of 1,613,590 alleles (0.00087%); highest among the groups gnomAD compares: Non-Finnish European, 0.0012%; no homozygotes.

Submission:

Labcorp Genetics (formerly Invitae), Labcorp
Classification: Uncertain significance for Pseudo-Hurler polydystrophy; Mucolipidosis type II. Last evaluated: 2021-12-13. Review status: criteria provided, single submitter. Criteria: Invitae Variant Classification Sherloc (09022015). Collection method: clinical testing. Allele origin: germline.
Comment: This sequence change replaces proline, which is neutral and non-polar, with serine, which is neutral and polar, at codon 1177 of the GNPTAB protein (p.Pro1177Ser). This variant is present in population databases (no rsID available, gnomAD 0.0009%). This variant has not been reported in the literature in individuals affected with GNPTAB-related conditions. Advanced modeling of protein sequence and biophysical properties (such as structural, functional, and spatial information, amino acid conservation, physicochemical variation, residue mobility, and thermodynamic stability) performed at Invitae indicates that this missense variant is expected to disrupt GNPTAB protein function. In summary, the available evidence is currently insufficient to determine the role of this variant in disease. Therefore, it has been classified as a Variant of Uncertain Significance.